The following is an entry in ClinVar:

ClinVar aggregate classification (germline): Uncertain significance (1 of 4 stars; one submission).

Submission:

Labcorp Genetics (formerly Invitae), Labcorp
Classification: Uncertain significance. Last evaluated: 2022-07-12. Review status: criteria provided, single submitter. Criteria: Invitae Variant Classification Sherloc (09022015). Collection method: clinical testing. Allele origin: germline.
Comment: In summary, the available evidence is currently insufficient to determine the role of this variant in disease. Therefore, it has been classified as a Variant of Uncertain Significance. Experimental studies and prediction algorithms are not available or were not evaluated, and the functional significance of this variant is currently unknown. This variant has not been reported in the literature in individuals affected with IMPG2-related conditions. This variant is present in population databases (no rsID available, gnomAD 0.003%). This variant, c.2660_2662del, results in the deletion of 1 amino acid(s) of the IMPG2 protein (p.Gly887del), but otherwise preserves the integrity of the reading frame.

NM_016247.4(IMPG2):c.2657GAG[1] (p.Gly887del)

Gene: IMPG2 (interphotoreceptor matrix proteoglycan 2; minus strand). Cytogenetic location: 3q12.3.
Variant type: Microsatellite.
Coding change: c.2657GAG[1] on transcript NM_016247.4 (MANE Select); one copy of the 3-base unit GAG starting at c.2657; the reference has two copies in a row; one copy, 3 bases deleted.
Protein change: p.Gly887del; deletes glycine 887.
Molecular consequence: inframe deletion.
Genome position (GRCh38, 1-based): chr3:101,243,669-101,243,671, CTC deleted on the plus strand (GAG on the coding strand, the reverse complement: IMPG2 is on the minus strand); deleting any 3 consecutive bases within chr3:101,243,669-101,243,676 gives the same sequence; the position shown is the placement nearest the transcript's 3' end. VCF-style (leftmost placement, unchanged base first): chr3-101243668-TCTC-T. GRCh37 (hg19) VCF-style: chr3-100962512-TCTC-T.
Other names: short protein forms G887del.
Identifiers: ClinVar variation 1370672 (VCV001370672.6), dbSNP rs1458831852, ClinGen allele CA545494272.